The following is an entry in ClinVar:

ClinVar aggregate classification (germline): Uncertain significance (1 of 4 stars; one submission).

Conditions:
Neuromuscular disease caused by qualitative or quantitative defects of dysferlin. Also called: Qualitative or quantitative defects of dysferlin; Dysferlinopathy. Identifiers: Orphanet 207073, MedGen C2931687, MONDO:0016145.

gnomAD v4.1: 1 of 1,612,142 alleles (0.000062%); highest among the groups gnomAD compares: East Asian, 0.0022%; no homozygotes.

Submission:

Labcorp Genetics (formerly Invitae), Labcorp
Classification: Uncertain significance for Neuromuscular disease caused by qualitative or quantitative defects of dysferlin. Last evaluated: 2022-06-15. Review status: criteria provided, single submitter. Criteria: Invitae Variant Classification Sherloc (09022015). Collection method: clinical testing. Allele origin: germline.
Comment: This sequence change replaces tyrosine, which is neutral and polar, with asparagine, which is neutral and polar, at codon 1494 of the DYSF protein (p.Tyr1494Asn). This variant is not present in population databases (gnomAD no frequency). This variant has not been reported in the literature in individuals affected with DYSF-related conditions. Advanced modeling of protein sequence and biophysical properties (such as structural, functional, and spatial information, amino acid conservation, physicochemical variation, residue mobility, and thermodynamic stability) performed at Invitae indicates that this missense variant is expected to disrupt DYSF protein function. In summary, the available evidence is currently insufficient to determine the role of this variant in disease. Therefore, it has been classified as a Variant of Uncertain Significance.

NM_001130987.2(DYSF):c.4597T>A (p.Tyr1533Asn)

Gene: DYSF (dysferlin; plus strand). Cytogenetic location: 2p13.2.
Variant type: single nucleotide variant.
Coding change: c.4597T>A on transcript NM_001130987.2 (MANE Select); coding-DNA position 4597, T replaced by A.
Protein change: p.Tyr1533Asn; replaces tyrosine 1533 with asparagine.
Molecular consequence: missense variant.
Genome position (GRCh38, 1-based): chr2:71,644,034, T>A. VCF-style: chr2-71644034-T-A. GRCh37 (hg19) VCF-style: chr2-71871164-T-A.
Other names: c.4483T>A, p.Tyr1495Asn (NM_001130455.2); c.4438T>A, p.Tyr1480Asn (NM_001130976.2); c.4501T>A, p.Tyr1501Asn (NM_001130977.2); c.4543T>A, p.Tyr1515Asn (NM_001130978.2); c.4573T>A, p.Tyr1525Asn (NM_001130979.2); c.4531T>A, p.Tyr1511Asn (NM_001130980.2); c.4594T>A, p.Tyr1532Asn (NM_001130981.2); c.4576T>A, p.Tyr1526Asn (NM_001130982.2); and 5 more; short protein forms Y1495N, Y1532N, Y1511N, Y1515N, Y1516N, Y1526N, Y1481N, Y1501N.
Identifiers: ClinVar variation 2099529 (VCV002099529.4), dbSNP rs150139276, ClinGen allele CA347218008.